The following is an entry in ClinVar:

NM_002103.5(GYS1):c.1020C>A (p.Asp340Glu)

Gene: GYS1 (glycogen synthase 1; minus strand). Cytogenetic location: 19q13.33.
Variant type: single nucleotide variant.
Coding change: c.1020C>A on transcript NM_002103.5 (MANE Select); coding-DNA position 1020, C replaced by A.
Protein change: p.Asp340Glu; replaces aspartic acid 340 with glutamic acid.
Molecular consequence: missense variant. On other transcripts: non-coding transcript variant (1).
Genome position (GRCh38, 1-based): chr19:48,982,297, G>T on the plus strand (C>A on the coding strand, the complement: GYS1 is on the minus strand). VCF-style: chr19-48982297-G-T. GRCh37 (hg19) VCF-style: chr19-49485554-G-T.
Other names: c.828C>A, p.Asp276Glu (NM_001161587.2); short protein forms D276E, D340E.
Identifiers: ClinVar variation 955642 (VCV000955642.9), dbSNP rs13306415, ClinGen allele CA9563137.

ClinVar aggregate classification (germline): Uncertain significance (1 of 4 stars; one submission).

Conditions:
Glycogen storage disease due to muscle and heart glycogen synthase deficiency. Also called: GSD 0b; MUSCLE GLYCOGEN SYNTHASE DEFICIENCY. Identifiers: Orphanet 137625, MedGen C1969054, MONDO:0012693, OMIM 611556.

gnomAD v4.1: 2 of 1,613,686 alleles (0.00012%); highest among the groups gnomAD compares: Non-Finnish European, 0.00017%; no homozygotes.

Submission:

Labcorp Genetics (formerly Invitae), Labcorp
Classification: Uncertain significance for Glycogen storage disease due to muscle and heart glycogen synthase deficiency. Last evaluated: 2022-06-04. Review status: criteria provided, single submitter. Criteria: Invitae Variant Classification Sherloc (09022015). Collection method: clinical testing. Allele origin: germline.
Comment: This sequence change replaces aspartic acid, which is acidic and polar, with glutamic acid, which is acidic and polar, at codon 340 of the GYS1 protein (p.Asp340Glu). This variant is present in population databases (rs13306415, gnomAD 0.0009%). This variant has not been reported in the literature in individuals affected with GYS1-related conditions. ClinVar contains an entry for this variant (Variation ID: 955642). Algorithms developed to predict the effect of missense changes on protein structure and function are either unavailable or do not agree on the potential impact of this missense change (SIFT: "Deleterious"; PolyPhen-2: "Possibly Damaging"; Align-GVGD: "Class C0"). In summary, the available evidence is currently insufficient to determine the role of this variant in disease. Therefore, it has been classified as a Variant of Uncertain Significance.